The following is an entry in ClinVar:

ClinVar aggregate classification (germline): Conflicting classifications of pathogenicity. Review status: criteria provided, conflicting classifications (1 of 4 stars). 2 submissions from 2 submitters: Uncertain significance (1); Likely benign (1). Last evaluated 2025-10-24.

Conditions:
PLXNA1-related disorder. Also called: PLXNA1-related condition.

gnomAD v4.1: 16 of 1,606,996 alleles (0.001%); highest among the groups gnomAD compares: African/African-American, 0.0094%; no homozygotes.

Submissions (2):

Ambry Genetics
Classification: Likely benign. Last evaluated: 2025-10-24. Review status: criteria provided, single submitter. Criteria: Ambry Variant Classification Scheme 2023. Collection method: clinical testing. Allele origin: germline.

PreventionGenetics, part of Exact Sciences
Classification: Uncertain significance for PLXNA1-related condition. Last evaluated: 2025-06-11. Review status: criteria provided, single submitter. Criteria: ACMG Guidelines, 2015. Collection method: clinical testing. Allele origin: germline.
Comment: The PLXNA1 c.1402G>A variant is predicted to result in the amino acid substitution p.Gly468Ser. To our knowledge, this variant has not been reported in the literature. This variant is reported in 0.0062% of alleles in individuals of African descent in gnomAD. At this time, the clinical significance of this variant is uncertain due to the absence of conclusive functional and genetic evidence.

NM_032242.4(PLXNA1):c.1402G>A (p.Gly468Ser)

Gene: PLXNA1 (plexin A1; plus strand). Cytogenetic location: 3q21.3.
Variant type: single nucleotide variant.
Coding change: c.1402G>A on transcript NM_032242.4 (MANE Select); coding-DNA position 1402, G replaced by A.
Protein change: p.Gly468Ser; replaces glycine 468 with serine.
Molecular consequence: missense variant.
Genome position (GRCh38, 1-based): chr3:127,003,354, G>A. VCF-style: chr3-127003354-G-A. GRCh37 (hg19) VCF-style: chr3-126722197-G-A.
Other names: short protein forms G468S.
Identifiers: ClinVar variation 4569729 (VCV004569729.2).
Genomic context (GRCh38, chr3:127,003,354, plus strand): 5'-CAGCACAGCTCCAGTTAGGGCCCCTTGCTGCCGCAGATCCTGGTGGACCTCTCAAACCCC[G>A]GTGGCCGGCCTGCCCTGGCCTACGAGAGCGTCGTGGCCCAGGAGGGCAGCCCCATCCTGC-3'
Protein context (NP_115618.3, residues 458-478): RKILVDLSNP[Gly468Ser]GRPALAYESV